The following is an entry in ClinVar:

ClinVar aggregate classification (germline): Likely benign. Review status: criteria provided, single submitter (1 of 4 stars). 5 submissions from 5 submitters: Likely benign (1). 4 of the submissions do not count toward it. Last evaluated 2024-10-02.

Conditions:
PKD1-related disorder. Also called: PKD1-related condition.
Polycystic kidney disease. Also called: Kidney, Polycystic; Polycystic kidney dysplasia. Identifiers: MedGen C0022680, MeSH D007690, MONDO:0020642, HP:0000113.

Allele frequency attached by ClinVar (database versions not stated): ESP Exome Variant Server 0.00015; gnomAD 0.00015 and 0.00018; gnomAD exomes 0.00020; TOPMed 0.00025; ExAC 0.00026.
gnomAD v4.1: 565 of 1,611,310 alleles (0.035%); highest among the groups gnomAD compares: Non-Finnish European, 0.046%; no homozygotes.

Submissions (5):

Blueprint Genetics
Classification: Likely benign. Last evaluated: 2024-10-02. Review status: criteria provided, single submitter. Criteria: ACMG Guidelines, 2015. Collection method: clinical testing. Allele origin: germline.

PreventionGenetics, part of Exact Sciences
Classification: Likely benign for PKD1-related condition. Last evaluated: 2019-10-04. Review status: no assertion criteria provided. Collection method: clinical testing. Allele origin: germline. Not counted in ClinVar's aggregate classification.
Comment: This variant is classified as likely benign based on ACMG/AMP sequence variant interpretation guidelines (Richards et al. 2015 PMID: 25741868, with internal and published modifications).

Department of Pathology and Laboratory Medicine, Sinai Health System
Classification: Likely benign for Polycystic Kidney disease. Review status: no assertion criteria provided. Collection method: clinical testing. Allele origin: unknown. Affected: yes. Study: The Canadian Open Genetics Repository (COGR). Not counted in ClinVar's aggregate classification.
Comment: The PKD1 c.10168-8C>T variant was identified in 1 of 460 proband chromosomes (frequency: 0.002) from individuals with autosomal dominant polycystic kidney disease (Rossetti 2012). The variant was identified in dbSNP (rs199808929) as â€šÃ„ÃºNAâ€šÃ„Ã¹, LOVD 3.0 (observed 1x) and ADPKD Mutation Database (observed 1x). The variant was not identified in ClinVar and PKD1-LOVD. The variant was identified in control databases in 54 of 276,616 chromosomes at a frequency of 0.0002 increasing the likelihood this could be a low frequency benign variant (Genome Aggregation Database Feb 27, 2017). The variant was observed in the following populations: African in 1 of 24,010 chromosomes (freq: 0.00004), European in 53 of 126,162 chromosomes (freq: 0.0004), while the variant was not observed in the Other, Latino, Ashkenazi Jewish, East Asian, Finnish, and South Asian populations. In addition we cannot be certain that data from control databases is specific to PKD1 and not from one of the six PKD1 pseudogenes. The variant occurs at a non-highly conserved nucleotide outside of the splicing consensus sequence and in silico or computational prediction software programs (SpliceSiteFinder, MaxEntScan, NNSPLICE, GeneSplicer) do not predict a difference in splicing. In summary, based on the above information the clinical significance of this variant cannot be determined with certainty at this time although we would lean towards a more benign role for this variant. This variant is classified as likely benign.

Genome Diagnostics Laboratory, University Medical Center Utrecht
Classification: Likely benign. Review status: no assertion criteria provided. Collection method: clinical testing. Allele origin: germline. Affected: yes. Study: VKGL Data-share Consensus. Not counted in ClinVar's aggregate classification.

Laboratory of Diagnostic Genome Analysis, Leiden University Medical Center (LUMC)
Classification: Likely benign. Review status: no assertion criteria provided. Collection method: clinical testing. Allele origin: germline. Affected: yes. Study: VKGL Data-share Consensus. Not counted in ClinVar's aggregate classification.

NM_001009944.3(PKD1):c.10168-8C>T

Gene: PKD1 (polycystin 1, transient receptor potential channel interacting; minus strand). Cytogenetic location: 16p13.3.
Variant type: single nucleotide variant.
Coding change: c.10168-8C>T on transcript NM_001009944.3 (MANE Select); 8 bases into the intron before coding-DNA position 10168, C replaced by T.
Molecular consequence: intron variant.
Genome position (GRCh38, 1-based): chr16:2,097,788, G>A on the plus strand (C>T on the coding strand, the complement: PKD1 is on the minus strand). VCF-style: chr16-2097788-G-A. GRCh37 (hg19) VCF-style: chr16-2147789-G-A.
Other names: c.10168-8C>T (NM_001009944.2); c.10168-11C>T (NM_000296.4).
Identifiers: ClinVar variation 997167 (VCV000997167.6), dbSNP rs199808929, ClinGen allele CA7829753.